The following is an entry in ClinVar:

NM_032043.3(BRIP1):c.404C>G (p.Ala135Gly)

Gene: BRIP1 (BRCA1 interacting DNA helicase 1; minus strand). Cytogenetic location: 17q23.2.
Variant type: single nucleotide variant.
Coding change: c.404C>G on transcript NM_032043.3 (MANE Select); coding-DNA position 404, C replaced by G.
Protein change: p.Ala135Gly; replaces alanine 135 with glycine.
Molecular consequence: missense variant.
Genome position (GRCh38, 1-based): chr17:61,849,232, G>C on the plus strand (C>G on the coding strand, the complement: BRIP1 is on the minus strand). VCF-style: chr17-61849232-G-C. GRCh37 (hg19) VCF-style: chr17-59926593-G-C.
Other names: short protein forms A135G.
Identifiers: ClinVar variation 1898594 (VCV001898594.6), dbSNP rs1295736478, ClinGen allele CA400484570.

ClinVar aggregate classification (germline): Uncertain significance. Review status: criteria provided, multiple submitters, no conflicts (2 of 4 stars). 2 submissions from 2 submitters: Uncertain significance (2). Last evaluated 2025-03-27.

Conditions:
Familial cancer of breast. Also called: hereditary breast carcinoma; BREAST CANCER, FAMILIAL; Hereditary breast cancer. Identifiers: Orphanet 227535, MedGen C0346153, MONDO:0016419, OMIM 114480. Disease mechanism: loss of function.
Fanconi anemia complementation group J. Also called: BRIP1-Related Fanconi Anemia. Identifiers: Orphanet 84, MedGen C1836860, MONDO:0012187, OMIM 609054.
Hereditary cancer-predisposing syndrome. Also called: Tumor predisposition; Neoplastic Syndromes, Hereditary; Hereditary neoplastic syndrome; Hereditary Cancer Syndrome. Identifiers: Orphanet 140162, MedGen C0027672, MeSH D009386, MONDO:0015356.

Allele frequency attached by ClinVar (database versions not stated): TOPMed below 0.00001.

Submissions (2):

Ambry Genetics
Classification: Uncertain significance for Hereditary cancer-predisposing syndrome. Last evaluated: 2025-03-27. Review status: criteria provided, single submitter. Criteria: Ambry Variant Classification Scheme 2023. Collection method: clinical testing. Allele origin: germline.
Comment: The p.A135G variant (also known as c.404C>G), located in coding exon 4 of the BRIP1 gene, results from a C to G substitution at nucleotide position 404. The alanine at codon 135 is replaced by glycine, an amino acid with similar properties. This amino acid position is conserved. In addition, this alteration is predicted to be tolerated by in silico analysis. Based on the available evidence, the clinical significance of this variant remains unclear.

Labcorp Genetics (formerly Invitae), Labcorp
Classification: Uncertain significance for Familial cancer of breast; Fanconi anemia complementation group J. Last evaluated: 2022-06-03. Review status: criteria provided, single submitter. Criteria: Invitae Variant Classification Sherloc (09022015). Collection method: clinical testing. Allele origin: germline.
Comment: In summary, the available evidence is currently insufficient to determine the role of this variant in disease. Therefore, it has been classified as a Variant of Uncertain Significance. Studies have shown that this missense change is associated with altered splicing resulting in unknown protein product impact (Invitae). Algorithms developed to predict the effect of missense changes on protein structure and function are either unavailable or do not agree on the potential impact of this missense change (SIFT: "Tolerated"; PolyPhen-2: "Possibly Damaging"; Align-GVGD: "Class C0"). This variant has not been reported in the literature in individuals affected with BRIP1-related conditions. This variant is not present in population databases (gnomAD no frequency). This sequence change replaces alanine, which is neutral and non-polar, with glycine, which is neutral and non-polar, at codon 135 of the BRIP1 protein (p.Ala135Gly).